The following is an entry in ClinVar:

ClinVar aggregate classification (germline): Uncertain significance (1 of 4 stars; one submission).

Submission:

Labcorp Genetics (formerly Invitae), Labcorp
Classification: Uncertain significance. Last evaluated: 2022-08-16. Review status: criteria provided, single submitter. Criteria: Invitae Variant Classification Sherloc (09022015). Collection method: clinical testing. Allele origin: germline.
Comment: This variant is not present in population databases (gnomAD no frequency). In summary, the available evidence is currently insufficient to determine the role of this variant in disease. Therefore, it has been classified as a Variant of Uncertain Significance. Algorithms developed to predict the effect of sequence changes on RNA splicing suggest that this variant may disrupt the consensus splice site. This variant has not been reported in the literature in individuals affected with FUK-related conditions. This sequence change affects an acceptor splice site in intron 8 of the FUK gene. It is expected to disrupt RNA splicing. Variants that disrupt the donor or acceptor splice site typically lead to a loss of protein function (PMID: 16199547), however the current clinical and genetic evidence is not sufficient to establish whether loss-of-function variants in FUK cause disease.

Literature cited by the submitters: PubMed 16199547.

NM_145059.3(FCSK):c.664-1G>A

Gene: FCSK (fucose kinase; plus strand). Cytogenetic location: 16q22.1.
Variant type: single nucleotide variant.
Coding change: c.664-1G>A on transcript NM_145059.3 (MANE Select); the canonical splice acceptor site of the intron before coding-DNA position 664, G replaced by A.
Molecular consequence: splice acceptor variant.
Genome position (GRCh38, 1-based): chr16:70,468,848, G>A. VCF-style: chr16-70468848-G-A. GRCh37 (hg19) VCF-style: chr16-70502751-G-A.
Identifiers: ClinVar variation 2024319 (VCV002024319.4), dbSNP rs2151714621, ClinGen allele CA396564871.